The following is an entry in ClinVar:

NM_004863.4(SPTLC2):c.561A>G (p.Ser187=)

Gene: SPTLC2 (serine palmitoyltransferase long chain base subunit 2; minus strand). Cytogenetic location: 14q24.3.
Variant type: single nucleotide variant.
Coding change: c.561A>G on transcript NM_004863.4 (MANE Select); coding-DNA position 561, A replaced by G.
Protein change: p.Ser187=; no amino-acid change (serine 187 retained).
Molecular consequence: synonymous variant.
Genome position (GRCh38, 1-based): chr14:77,576,837, T>C on the plus strand (A>G on the coding strand, the complement: SPTLC2 is on the minus strand). VCF-style: chr14-77576837-T-C. GRCh37 (hg19) VCF-style: chr14-78043180-T-C.
Identifiers: ClinVar variation 382638 (VCV000382638.22), dbSNP rs143934634, ClinGen allele CA7289424.
Genomic context (GRCh38, chr14:77,576,837, plus strand): 5'-CCGAGTACTGCACACTCCAGCTCCATACTCCTCAAGGACTTTGGCGGCTGCTTCTTGACA[T>C]GATCCAGTATTCCGTGCAAATCCAAGATAGTTGTAGGAACCCATGTTTATAACACCCTTT-3'
Protein context (NP_004854.1, residues 177-197): NYLGFARNTG[Ser187=]CQEAAAKVLE

ClinVar aggregate classification (germline): Benign/Likely benign. Review status: criteria provided, multiple submitters, no conflicts (2 of 4 stars). 6 submissions from 6 submitters: Benign (1); Likely benign (5). Last evaluated 2025-12-23.

Conditions:
SPTLC2-related disorder. Also called: SPTLC2-related condition.
Inborn genetic diseases. Identifiers: MedGen C0950123, MeSH D030342.
Neuropathy, hereditary sensory and autonomic, type 1C. Also called: HSAN IC; HSN IC. Identifiers: Orphanet 36386, MedGen C3150896, MONDO:0013337, OMIM 613640.

Allele frequency attached by ClinVar (database versions not stated): ExAC 0.00021; gnomAD exomes 0.00026 and 0.00038; TOPMed 0.00028; gnomAD 0.00029; ESP Exome Variant Server 0.00038.
gnomAD v4.1: 594 of 1,614,092 alleles (0.037%); highest among the groups gnomAD compares: Non-Finnish European, 0.046%; no homozygotes.

Submissions (6):

Labcorp Genetics (formerly Invitae), Labcorp
Classification: Likely benign for Neuropathy, hereditary sensory and autonomic, type 1C. Last evaluated: 2025-12-23. Review status: criteria provided, single submitter. Criteria: Invitae Variant Classification Sherloc (09022015). Collection method: clinical testing. Allele origin: germline.

Women's Health and Genetics/Laboratory Corporation of America, LabCorp
Classification: Likely benign. Last evaluated: 2025-12-16. Review status: criteria provided, single submitter. Criteria: LabCorp Variant Classification Summary - May 2015. Collection method: clinical testing. Allele origin: germline.

PreventionGenetics, part of Exact Sciences
Classification: Likely benign for SPTLC2-related condition. Last evaluated: 2024-10-10. Review status: criteria provided, single submitter. Criteria: ACMG Guidelines, 2015. Collection method: clinical testing. Allele origin: germline.
Comment: This variant is classified as likely benign based on ACMG/AMP sequence variant interpretation guidelines (Richards et al. 2015 PMID: 25741868, with internal and published modifications).

GeneDx
Classification: Likely benign. Last evaluated: 2021-04-17. Review status: criteria provided, single submitter. Criteria: GeneDx Variant Classification Process June 2021. Collection method: clinical testing. Allele origin: germline. Affected: yes.

Ambry Genetics
Classification: Likely benign for Inborn genetic diseases. Last evaluated: 2019-07-11. Review status: criteria provided, single submitter. Criteria: Ambry Variant Classification Scheme 2023. Collection method: clinical testing. Allele origin: germline.

Illumina Laboratory Services, Illumina
Classification: Benign for Neuropathy, hereditary sensory and autonomic, type 1C. Last evaluated: 2018-01-13. Review status: criteria provided, single submitter. Criteria: ICSL Variant Classification Criteria 13 December 2019. Collection method: clinical testing. Allele origin: germline.
Comment: This variant was observed in the ICSL laboratory as part of a predisposition screen in an ostensibly healthy population. It had not been previously curated by ICSL or reported in the Human Gene Mutation Database (HGMD: prior to June 1st, 2018), and was therefore a candidate for classification through an automated scoring system. Utilizing variant allele frequency, disease prevalence and penetrance estimates, and inheritance mode, an automated score was calculated to assess if this variant is too frequent to cause the disease. Based on the score and internal cut-off values, a variant classified as benign is not then subjected to further curation. The score for this variant resulted in a classification of benign for this disease.